The following is an entry in ClinVar:

ClinVar aggregate classification (germline): Uncertain significance (1 of 4 stars; one submission).

Conditions:
Autosomal dominant polycystic kidney disease. Identifiers: Orphanet 730, MedGen C0085413, MONDO:0004691.

Allele frequency attached by ClinVar (database versions not stated): gnomAD exomes below 0.00001.
gnomAD v4.1: 1 of 1,168,806 alleles (0.000086%); highest among the groups gnomAD compares: African/African-American, 0.0016%; no homozygotes.

Submission:

Labcorp Genetics (formerly Invitae), Labcorp
Classification: Uncertain significance for Autosomal dominant polycystic kidney disease. Last evaluated: 2022-04-14. Review status: criteria provided, single submitter. Criteria: Invitae Variant Classification Sherloc (09022015). Collection method: clinical testing. Allele origin: germline.
Comment: In summary, the available evidence is currently insufficient to determine the role of this variant in disease. Therefore, it has been classified as a Variant of Uncertain Significance. Algorithms developed to predict the effect of missense changes on protein structure and function are either unavailable or do not agree on the potential impact of this missense change (SIFT: "Deleterious"; PolyPhen-2: "Benign"; Align-GVGD: "Class C0"). This variant has not been reported in the literature in individuals affected with PKD2-related conditions. This variant is not present in population databases (gnomAD no frequency). This sequence change replaces proline, which is neutral and non-polar, with leucine, which is neutral and non-polar, at codon 26 of the PKD2 protein (p.Pro26Leu).

NM_000297.4(PKD2):c.77C>T (p.Pro26Leu)

Genes: PKD2 (polycystin 2, transient receptor potential cation channel; plus strand), LOC129992813 (ATAC-STARR-seq lymphoblastoid silent region 15559; plus strand). Cytogenetic location: 4q22.1.
Variant type: single nucleotide variant.
Coding change: c.77C>T on transcript NM_000297.4 (MANE Select); coding-DNA position 77, C replaced by T.
Protein change: p.Pro26Leu; replaces proline 26 with leucine.
Molecular consequence: missense variant. On other transcripts: non-coding transcript variant (1).
Genome position (GRCh38, 1-based): chr4:88,007,810, C>T. VCF-style: chr4-88007810-C-T. GRCh37 (hg19) VCF-style: chr4-88928962-C-T.
Other names: short protein forms P26L.
Identifiers: ClinVar variation 1983383 (VCV001983383.4), dbSNP rs1447102982, ClinGen allele CA357625048.